The following is an entry in ClinVar:

ClinVar aggregate classification (germline): Uncertain significance (1 of 4 stars; one submission).

Conditions:
Hereditary cancer-predisposing syndrome. Also called: Neoplastic Syndromes, Hereditary; Tumor predisposition; Hereditary neoplastic syndrome; Hereditary Cancer Syndrome. Identifiers: Orphanet 140162, MedGen C0027672, MeSH D009386, MONDO:0015356.

Submission:

Ambry Genetics
Classification: Uncertain significance for Hereditary cancer-predisposing syndrome. Last evaluated: 2019-04-16. Review status: criteria provided, single submitter. Criteria: Ambry Variant Classification Scheme 2023. Collection method: clinical testing. Allele origin: germline.
Comment: The p.K2698Q variant (also known as c.8092A>C), located in coding exon 15 of the APC gene, results from an A to C substitution at nucleotide position 8092. The lysine at codon 2698 is replaced by glutamine, an amino acid with similar properties. This amino acid position is highly conserved in available vertebrate species. In addition, in silico predictors for this gene do not accurately predict pathogenicity. Since supporting evidence is limited at this time, the clinical significance of this alteration remains unclear.

NM_000038.6(APC):c.8092A>C (p.Lys2698Gln)

Gene: APC (APC regulator of Wnt signaling pathway; plus strand). Cytogenetic location: 5q22.2.
Variant type: single nucleotide variant.
Coding change: c.8092A>C on transcript NM_000038.6 (MANE Select); coding-DNA position 8092, A replaced by C.
Protein change: p.Lys2698Gln; replaces lysine 2698 with glutamine.
Molecular consequence: missense variant.
Genome position (GRCh38, 1-based): chr5:112,843,686, A>C. VCF-style: chr5-112843686-A-C. GRCh37 (hg19) VCF-style: chr5-112179383-A-C.
Other names: c.8092A>C, p.Lys2698Gln (NM_001127510.3, NM_001354895.2); c.8038A>C, p.Lys2680Gln (NM_001127511.3); c.8146A>C, p.Lys2716Gln (NM_001354896.2); c.8122A>C, p.Lys2708Gln (NM_001354897.2); c.8017A>C, p.Lys2673Gln (NM_001354898.2); c.8008A>C, p.Lys2670Gln (NM_001354899.2); c.7969A>C, p.Lys2657Gln (NM_001354900.2); c.7915A>C, p.Lys2639Gln (NM_001354901.2); and 5 more; short protein forms K2415Q, K2639Q, K2708Q, K2716Q, K2670Q, K2680Q, K2538Q, K2572Q.
Identifiers: ClinVar variation 827442 (VCV000827442.4), dbSNP rs1580689926, ClinGen allele CA16038902.
Genomic context (GRCh38, chr5:112,843,686, plus strand): 5'-AATACTCCCCCGGTGATTGACAGTGTTTCAGAAAAGGCAAATCCAAACATTAAAGATTCA[A>C]AAGATAATCAGGCAAAACAAAATGTGGGTAATGGCAGTGTTCCCATGCGTACCGTGGGTT-3'
Protein context (NP_000029.2, residues 2688-2708): EKANPNIKDS[Lys2698Gln]DNQAKQNVGN